The following is an entry in ClinVar:

ClinVar aggregate classification (germline): Uncertain significance. Review status: criteria provided, multiple submitters, no conflicts (2 of 4 stars). 3 submissions from 3 submitters: Uncertain significance (3). Last evaluated 2023-09-22.

Conditions:
Autosomal recessive nonsyndromic hearing loss 104. Also called: Deafness, autosomal recessive 104. Identifiers: Orphanet 90636, MedGen C4225298, MONDO:0014675, OMIM 616515.
Autosomal dominant nonsyndromic hearing loss 21. Also called: Deafness, autosomal dominant 21. Identifiers: Orphanet 90635, MedGen C1846922, MONDO:0011761, OMIM 607017.

Allele frequency attached by ClinVar (database versions not stated): gnomAD exomes 0.00007 and 0.00010; ExAC 0.00010.
gnomAD v4.1: 99 of 1,613,950 alleles (0.0061%); highest among the groups gnomAD compares: East Asian, 0.21%; 1 homozygote.

Submissions (3):

Labcorp Genetics (formerly Invitae), Labcorp
Classification: Uncertain significance. Last evaluated: 2023-09-22. Review status: criteria provided, single submitter. Criteria: Invitae Variant Classification Sherloc (09022015). Collection method: clinical testing. Allele origin: germline.
Comment: In summary, the available evidence is currently insufficient to determine the role of this variant in disease. Therefore, it has been classified as a Variant of Uncertain Significance. An algorithm developed to predict the effect of missense changes on protein structure and function (PolyPhen-2) suggests that this variant¬†is likely to be tolerated. ClinVar contains an entry for this variant (Variation ID: 1680512). This variant has not been reported in the literature in individuals affected with FAM65B-related conditions. This variant is present in population databases (rs765214729, gnomAD 0.1%), and has an allele count higher than expected for a pathogenic variant. This sequence change replaces threonine, which is neutral and polar, with serine, which is neutral and polar, at codon 352 of the FAM65B protein (p.Thr352Ser).

Ambry Genetics
Classification: Uncertain significance. Last evaluated: 2022-05-11. Review status: criteria provided, single submitter. Criteria: Ambry Variant Classification Scheme 2023. Collection method: clinical testing. Allele origin: germline.

Fulgent Genetics
Classification: Uncertain significance for Autosomal dominant nonsyndromic hearing loss 21; Autosomal recessive nonsyndromic hearing loss 104. Last evaluated: 2022-02-14. Review status: criteria provided, single submitter. Criteria: ACMG Guidelines, 2015. Collection method: clinical testing. Allele origin: unknown.

NM_001286445.3(RIPOR2):c.1142C>G (p.Thr381Ser)

Gene: RIPOR2 (RHO family interacting cell polarization regulator 2; minus strand). Cytogenetic location: 6p22.3.
Variant type: single nucleotide variant.
Coding change: c.1142C>G on transcript NM_001286445.3 (MANE Select); coding-DNA position 1142, C replaced by G.
Protein change: p.Thr381Ser; replaces threonine 381 with serine.
Molecular consequence: missense variant.
Genome position (GRCh38, 1-based): chr6:24,848,047, G>C on the plus strand (C>G on the coding strand, the complement: RIPOR2 is on the minus strand). VCF-style: chr6-24848047-G-C. GRCh37 (hg19) VCF-style: chr6-24848275-G-C.
Other names: c.1157C>G, p.Thr386Ser (NM_001286446.3); c.1055C>G, p.Thr352Ser (NM_001286447.2, NM_001346031.2, NM_001346032.2 and 2 more transcripts); c.1055C>G (NM_014722.2); short protein forms T352S, T381S, T386S.
Identifiers: ClinVar variation 1680512 (VCV001680512.7), dbSNP rs765214729, ClinGen allele CA3659322.